The following is an entry in ClinVar:

NM_004044.7(ATIC):c.533C>T (p.Ala178Val)

Gene: ATIC (5-aminoimidazole-4-carboxamide ribonucleotide formyltransferase/IMP cyclohydrolase; plus strand). Cytogenetic location: 2q35.
Variant type: single nucleotide variant.
Coding change: c.533C>T on transcript NM_004044.7 (MANE Select); coding-DNA position 533, C replaced by T.
Protein change: p.Ala178Val; replaces alanine 178 with valine.
Molecular consequence: missense variant.
Genome position (GRCh38, 1-based): chr2:215,326,823, C>T. VCF-style: chr2-215326823-C-T. GRCh37 (hg19) VCF-style: chr2-216191546-C-T.
Other names: short protein forms A178V.
Identifiers: ClinVar variation 2976150 (VCV002976150.3), dbSNP rs148147535, ClinGen allele CA2093009.

ClinVar aggregate classification (germline): Uncertain significance (1 of 4 stars; one submission).

Allele frequency attached by ClinVar (database versions not stated): gnomAD exomes below 0.00001; ExAC 0.00002; TOPMed 0.00002; gnomAD 0.00004; ESP Exome Variant Server 0.00008.
gnomAD v4.1: 12 of 1,613,842 alleles (0.00074%); highest among the groups gnomAD compares: African/African-American, 0.0067%; no homozygotes.

Submission:

Labcorp Genetics (formerly Invitae), Labcorp
Classification: Uncertain significance. Last evaluated: 2024-06-03. Review status: criteria provided, single submitter. Criteria: Invitae Variant Classification Sherloc (09022015). Collection method: clinical testing. Allele origin: germline.
Comment: This sequence change replaces alanine, which is neutral and non-polar, with valine, which is neutral and non-polar, at codon 178 of the ATIC protein (p.Ala178Val). This variant is present in population databases (rs148147535, gnomAD 0.008%). This variant has not been reported in the literature in individuals affected with ATIC-related conditions. An algorithm developed to predict the effect of missense changes on protein structure and function (PolyPhen-2) suggests that this variant is likely to be disruptive. In summary, the available evidence is currently insufficient to determine the role of this variant in disease. Therefore, it has been classified as a Variant of Uncertain Significance.